The following is an entry in ClinVar:

ClinVar aggregate classification (germline): Uncertain significance. Review status: reviewed by expert panel (3 of 4 stars). 2 submissions from 2 submitters: Uncertain significance (1). 1 of the submissions does not count toward it. Last evaluated 2025-12-14.

Conditions:
Mucopolysaccharidosis type 1. Also called: IDUA deficiency; MPS I. Identifiers: Orphanet 579, MedGen C0023786, MONDO:0001586.

Allele frequency attached by ClinVar (database versions not stated): ExAC 0.00001; gnomAD exomes 0.00001.
gnomAD v4.1: 18 of 1,613,226 alleles (0.0011%); highest among the groups gnomAD compares: East Asian, 0.0022%; no homozygotes.

Submissions (2):

ClinGen Lysosomal Storage Disorder Variant Curation Expert Panel
Classification: Uncertain significance for Mucopolysaccharidosis type 1. Last evaluated: 2025-12-14. Review status: reviewed by expert panel. Criteria: ClinGen LSD ACMG Specifications IDUA V1.1.0. Collection method: curation. Allele origin: germline. Inheritance: Autosomal recessive inheritance.
Comment: The NM_000203.5:c.547C>T variant in IDUA is a missense variant predicted to cause substitution of Proline by Serine at amino acid 183 (p.Pro183Ser). To our knowledge, there is no published literature on this variant outside of a functional assessment of variant in IDUA identified by newborn screening (PMID:39702574). In that study, expression of the variant in HEK293 cells resulted in 2.9% relative specific activity compared to wild type, and an intermediate level of processing on Western blot (PMID: 39702574), results that were not clearly in the range of activity for known pathogenic variants (PS3_Supporting not applied). The computational predictor REVEL gives a score of 0.933 which is above the threshold of 0.773, evidence that correlates with impact to IDUA function at the moderate level based on the specifications of the ClinGen Lysosomal Diseases VCEP (PMID: 36413997) (PP3_Moderate). The highest population minor allele frequency in gnomAD v4.1.0 is 0.00002 (1/62498 alleles) in the remaining individuals, which is lower than the ClinGen Lysosomal Diseases VCEP’s threshold for PM2_Supporting (<0.00025), meeting this criterion (PM2_Supporting). Two other variants at the same amino acid position have been reported in ClinVar - c.547C>G (p.Pro183Ala) (ClinVar Variation ID: 2689238, VUS) and c.548C>G (p.Pro183Arg) (ClinVar Variation ID: 551348, LP). These variants have not yet been classified by the ClinGen LD VCEP (PM5 not met). In summary, this variant meets the criteria to be classified as a variant of uncertain significance (VUS) for MPS I based on the IDUA-specific ACMG/AMP criteria applied, as specified by the ClinGen Lysosomal Diseases Variant Curation Expert Panel (Specifications Version 1.1.0): PP3_moderate; PM2_supporting (Classification approved by the ClinGen Lysosomal Diseases Variant Curation Expert Panel on December 14, 2025)

Revvity Omics, Revvity
Classification: Uncertain significance. Last evaluated: 2022-02-07. Review status: criteria provided, single submitter. Criteria: ACMG Guidelines, 2015. Collection method: clinical testing. Allele origin: germline. Not counted in ClinVar's aggregate classification.

NM_000203.5(IDUA):c.547C>T (p.Pro183Ser)

Gene: IDUA (alpha-L-iduronidase; plus strand). Cytogenetic location: 4p16.3.
Variant type: single nucleotide variant.
Coding change: c.547C>T on transcript NM_000203.5 (MANE Select); coding-DNA position 547, C replaced by T.
Protein change: p.Pro183Ser; replaces proline 183 with serine.
Molecular consequence: missense variant. On other transcripts: non-coding transcript variant (1).
Genome position (GRCh38, 1-based): chr4:1,001,521, C>T. VCF-style: chr4-1001521-C-T. GRCh37 (hg19) VCF-style: chr4-995309-C-T.
Other names: NM_000203.5(IDUA):c.547C>T; p.Pro183Ser; c.151C>T, p.Pro51Ser (NM_001363576.1); short protein forms P183S, P51S.
Identifiers: ClinVar variation 2432770 (VCV002432770.3), dbSNP rs757706461, ClinGen allele CA2801989.